The following is an entry in ClinVar:

ClinVar aggregate classification (germline): Uncertain significance. Review status: criteria provided, multiple submitters, no conflicts (2 of 4 stars). 3 submissions from 3 submitters: Uncertain significance (3). Last evaluated 2026-05-17.

Conditions:
Ehlers-Danlos syndrome, type 4 (EDSVASC). Also called: Ehlers-Danlos syndrome vascular type; Ehlers Danlos syndrome, ecchymotic type; Ehlers Danlos syndrome, arterial type; Ehlers Danlos syndrome, Sack-Barabas type; Ehlers-Danlos Syndrome Type IV. Identifiers: Orphanet 286, MedGen C0268338, MONDO:0017314, OMIM 130050.
Familial thoracic aortic aneurysm and aortic dissection (TAAD). Also called: Thoracic aortic aneurysms and dissections. Identifiers: Orphanet 91387, MedGen C4707243, MONDO:0019625.

gnomAD v4.1: 7 of 1,611,572 alleles (0.00043%); highest among the groups gnomAD compares: Non-Finnish European, 0.00051%; no homozygotes.

Submissions (3):

Ambry Genetics
Classification: Uncertain significance for Familial thoracic aortic aneurysm and aortic dissection. Last evaluated: 2026-05-17. Review status: criteria provided, single submitter. Criteria: Ambry Variant Classification Scheme 2023. Collection method: clinical testing. Allele origin: germline.
Comment: The p.S131F variant (also known as c.392C>T), located in coding exon 4 of the COL3A1 gene, results from a C to T substitution at nucleotide position 392. The serine at codon 131 is replaced by phenylalanine, an amino acid with highly dissimilar properties. This amino acid position is conserved. In addition, this alteration is predicted to be tolerated by in silico analysis. Based on the available evidence, the clinical significance of this variant remains unclear.

Labcorp Genetics (formerly Invitae), Labcorp
Classification: Uncertain significance for Ehlers-Danlos syndrome, type 4. Last evaluated: 2026-01-05. Review status: criteria provided, single submitter. Criteria: Invitae Variant Classification Sherloc (09022015). Collection method: clinical testing. Allele origin: germline.
Comment: This sequence change replaces serine, which is neutral and polar, with phenylalanine, which is neutral and non-polar, at codon 131 of the COL3A1 protein (p.Ser131Phe). This variant is not present in population databases (gnomAD no frequency). This variant has not been reported in the literature in individuals affected with COL3A1-related conditions. ClinVar contains an entry for this variant (Variation ID: 3573860). Invitae Evidence Modeling of protein sequence and biophysical properties (such as structural, functional, and spatial information, amino acid conservation, physicochemical variation, residue mobility, and thermodynamic stability) indicates that this missense variant is not expected to disrupt COL3A1 protein function with a negative predictive value of 95%. In summary, the available evidence is currently insufficient to determine the role of this variant in disease. Therefore, it has been classified as a Variant of Uncertain Significance.

GeneDx
Classification: Uncertain significance. Last evaluated: 2025-04-09. Review status: criteria provided, single submitter. Criteria: GeneDx Variant Classification Process June 2021. Collection method: clinical testing. Allele origin: germline.
Comment: Has not been previously published as pathogenic or benign to our knowledge; Not observed at significant frequency in large population cohorts (gnomAD); In silico analysis indicates that this missense variant does not alter protein structure/function; Not located in the triple helical region, where the majority of pathogenic missense variants occur (HGMD)

NM_000090.4(COL3A1):c.392C>T (p.Ser131Phe)

Gene: COL3A1 (collagen type III alpha 1 chain; plus strand). Cytogenetic location: 2q32.2.
Variant type: single nucleotide variant.
Coding change: c.392C>T on transcript NM_000090.4 (MANE Select); coding-DNA position 392, C replaced by T.
Protein change: p.Ser131Phe; replaces serine 131 with phenylalanine.
Molecular consequence: missense variant.
Genome position (GRCh38, 1-based): chr2:188,985,723, C>T. VCF-style: chr2-188985723-C-T. GRCh37 (hg19) VCF-style: chr2-189850449-C-T.
Other names: short protein forms S131F.
Identifiers: ClinVar variation 3573860 (VCV003573860.4), dbSNP rs267599119.
Genomic context (GRCh38, chr2:188,985,723, plus strand): 5'-AGGGCCCTCCTGGTATTCCTGGGAGAAATGGTGACCCTGGTATTCCAGGACAACCAGGGT[C>T]CCCTGGTTCTCCTGGCCCCCCTGGAATCTGTGAATCATGCCCTACTGGTCCTCAGGTATA-3'
Protein context (NP_000081.2, residues 121-141): GDPGIPGQPG[Ser131Phe]PGSPGPPGIC